The following is an entry in ClinVar:

NM_015021.3(ZNF292):c.814G>A (p.Ala272Thr)

Gene: ZNF292 (zinc finger protein 292; plus strand). Cytogenetic location: 6q14.3.
Variant type: single nucleotide variant.
Coding change: c.814G>A on transcript NM_015021.3 (MANE Select); coding-DNA position 814, G replaced by A.
Protein change: p.Ala272Thr; replaces alanine 272 with threonine.
Molecular consequence: missense variant.
Genome position (GRCh38, 1-based): chr6:87,243,547, G>A. VCF-style: chr6-87243547-G-A. GRCh37 (hg19) VCF-style: chr6-87953265-G-A.
Other names: c.394G>A, p.Ala132Thr (NM_001351444.2); c.814G>A (NM_015021.1); short protein forms A272T, A132T.
Identifiers: ClinVar variation 2692479 (VCV002692479.3), dbSNP rs1774419692, ClinGen allele CA364934092.
Genomic context (GRCh38, chr6:87,243,547, plus strand): 5'-GATTGCAAAGATGCACTGGAAATGATCTGTAACTTAGAATCTGAGGGTGATGAAAAAAGC[G>A]CTCTTGTTTTATGTACTGCGTTTTTGTCACGTCAGCTCCAACAAGGAGATATGTACTGCG-3'
Protein context (NP_055836.1, residues 262-282): NLESEGDEKS[Ala272Thr]LVLCTAFLSR

ClinVar aggregate classification (germline): Conflicting classifications of pathogenicity. Review status: criteria provided, conflicting classifications (1 of 4 stars). 2 submissions from 2 submitters: Likely pathogenic (1); Uncertain significance (1). Last evaluated 2025-01-20.

Conditions:
Inborn genetic diseases. Identifiers: MedGen C0950123, MeSH D030342.
Intellectual developmental disorder, autosomal dominant 64. Also called: MENTAL RETARDATION, AUTOSOMAL DOMINANT 64. Identifiers: MedGen C5543067, MONDO:0030934, OMIM 619188.

Submissions (2):

Ambry Genetics
Classification: Uncertain significance for Inborn genetic diseases. Last evaluated: 2025-01-20. Review status: criteria provided, single submitter. Criteria: Ambry Variant Classification Scheme 2023. Collection method: clinical testing. Allele origin: germline.
Comment: The c.814G>A (p.A272T) alteration is located in exon 6 (coding exon 6) of the ZNF292 gene. This alteration results from a G to A substitution at nucleotide position 814, causing the alanine (A) at amino acid position 272 to be replaced by a threonine (T). This variant was not reported in population-based cohorts in the Genome Aggregation Database (gnomAD). This amino acid position is highly conserved in available vertebrate species. The in silico prediction for this alteration is inconclusive. Based on insufficient or conflicting evidence, the clinical significance of this alteration remains unclear.

Greenwood Genetic Center Diagnostic Laboratories, Greenwood Genetic Center
Classification: Likely pathogenic for Intellectual developmental disorder, autosomal dominant 64. Last evaluated: 2023-11-28. Review status: criteria provided, single submitter. Criteria: ACMG Guidelines, 2015. Collection method: clinical testing. Allele origin: germline. Affected: yes.
Comment: PS2, PM2